The following is an entry in ClinVar:

ClinVar aggregate classification (germline): Pathogenic (1 of 4 stars; one submission).

Conditions:
Cardiovascular phenotype. Identifiers: MedGen CN230736.
Hereditary cancer-predisposing syndrome. Also called: Neoplastic Syndromes, Hereditary; Tumor predisposition; Hereditary Cancer Syndrome; Hereditary neoplastic syndrome. Identifiers: Orphanet 140162, MedGen C0027672, MeSH D009386, MONDO:0015356.

Submission:

Ambry Genetics
Classification: Pathogenic for Cardiovascular phenotype; Hereditary cancer-predisposing syndrome. Last evaluated: 2021-10-18. Review status: criteria provided, single submitter. Criteria: Ambry Variant Classification Scheme 2023. Collection method: clinical testing. Allele origin: germline.
Comment: The c.6450_6451delGTinsTGA pathogenic mutation, located in coding exon 42 of the NF1 gene, results from the deletion of two nucleotides and insertion of 3 nucleotides causing a translational frameshift with a predicted alternate stop codon (p.K2150Nfs*23). This variant is considered to be rare based on population cohorts in the Genome Aggregation Database (gnomAD). This alteration is expected to result in loss of function by premature protein truncation or nonsense-mediated mRNA decay. As such, this alteration is interpreted as a disease-causing mutation.

NM_001042492.3(NF1):c.6513_6514delinsTGA (p.Lys2171fs)

Gene: NF1 (neurofibromin 1; plus strand). Cytogenetic location: 17q11.2.
Variant type: Indel.
Coding change: c.6513_6514delinsTGA on transcript NM_001042492.3 (MANE Select); coding-DNA positions 6513 to 6514, GT replaced by TGA.
Protein change: p.Lys2171fs; shifts the reading frame from lysine 2171.
Molecular consequence: frameshift variant.
Genome position (GRCh38, 1-based): chr17:31,337,453-31,337,454, GT replaced by TGA. VCF-style: chr17-31337453-GT-TGA. GRCh37 (hg19) VCF-style: chr17-29664471-GT-TGA.
Other names: c.6450_6451delGTinsTGA (NM_000267.3); c.6450_6451delGTinsTGA, p.Lys2150Asnfs (NM_000267.4); short protein forms K2150fs, K2171fs.
Identifiers: ClinVar variation 1753605 (VCV001753605.2), dbSNP rs2508753433, ClinGen allele CA2580093382.